The following is an entry in ClinVar:

NM_000548.5(TSC2):c.1120-1del

Gene: TSC2 (TSC complex subunit 2; plus strand). Cytogenetic location: 16p13.3.
Variant type: Deletion.
Coding change: c.1120-1del on transcript NM_000548.5 (MANE Select); the canonical splice acceptor site of the intron before coding-DNA position 1120, one base deleted (G; older notation c.1120-1delG).
Molecular consequence: splice acceptor variant.
Genome position (GRCh38, 1-based): chr16:2,061,870, G deleted. VCF-style (leftmost placement, unchanged base first): chr16-2061869-AG-A. GRCh37 (hg19) VCF-style: chr16-2111870-AG-A.
Other names: c.520-1del (NM_001406688.1, NM_001406686.1, NM_001406680.1 and 6 more transcripts); c.1063-1del (NM_001406677.1); c.973-1del (NM_001406675.1, NM_001406676.1, NM_001318829.2 and 1 more transcripts); c.1153-1del (NM_001318832.2); c.-225-1del (NM_001406693.1, NM_001406689.1, NM_001406690.1 and 4 more transcripts); c.1210-1del (NM_001406667.1, NM_001406668.1); c.-401-1del (NM_001406698.1); c.1120-1del (NM_001114382.3, NM_001406663.1, NM_001406664.1 and 6 more transcripts); and 4 more.
Identifiers: ClinVar variation 836764 (VCV000836764.8), dbSNP rs2086678681, ClinGen allele CA916081785.

ClinVar aggregate classification (germline): Likely pathogenic (1 of 4 stars; one submission).

Conditions:
Tuberous sclerosis 2 (TSC2). Identifiers: Orphanet 805, MedGen C1860707, MONDO:0013199, OMIM 613254.

Submission:

Labcorp Genetics (formerly Invitae), Labcorp
Classification: Likely pathogenic for Tuberous sclerosis 2. Last evaluated: 2019-04-06. Review status: criteria provided, single submitter. Criteria: Invitae Variant Classification Sherloc (09022015). Collection method: clinical testing. Allele origin: germline.
Comment: Algorithms developed to predict the effect of sequence changes on RNA splicing suggest that this variant may disrupt the consensus splice site, but this prediction has not been confirmed by published transcriptional studies. In summary, the currently available evidence indicates that the variant is pathogenic, but additional data are needed to prove that conclusively. Therefore, this variant has been classified as Likely Pathogenic. Donor and acceptor splice site variants typically lead to a loss of protein function (PMID: 16199547), and loss-of-function variants in TSC2 are known to be pathogenic (PMID: 10205261, 17304050). This variant has not been reported in the literature in individuals with TSC2-related conditions. This variant is not present in population databases (ExAC no frequency). This sequence change affects an acceptor splice site in intron 11 of the TSC2 gene. It is expected to disrupt RNA splicing and likely results in an absent or disrupted protein product.

Literature cited by the submitters: PubMed 16199547; PubMed 10205261; PubMed 17304050.